The following is an entry in ClinVar:

ClinVar aggregate classification (germline): Uncertain significance. Review status: criteria provided, multiple submitters, no conflicts (2 of 4 stars). 4 submissions from 4 submitters: Uncertain significance (4). Last evaluated 2026-02-11.

Conditions:
Hypogonadotropic hypogonadism 5 with or without anosmia (KAL5). Also called: HYPOGONADOTROPIC HYPOGONADISM 5 WITH ANOSMIA; CHD7-Related GnRH Deficiency (Kallmann Syndrome 5); HYPOGONADOTROPHIC HYPOGONADISM 5 WITHOUT ANOSMIA. Identifiers: Orphanet 478, MedGen C3552553, MONDO:0012880, OMIM 612370. Disease mechanism: loss of function.
CHARGE syndrome (CHARGE). Also called: Hittner Hirsch Kreh syndrome; CHARGE ASSOCIATION--COLOBOMA, HEART ANOMALY, CHOANAL ATRESIA, RETARDATION, GENITAL AND EAR ANOMALIES; Coloboma, heart anomaly, choanal atresia, retardation, genital and ear anomalies; CHARGE association; Hall-Hittner syndrome. Identifiers: Orphanet 138, MedGen C0265354, MONDO:0008965.
CHD7-related disorder. Also called: CHD7-related condition.

Allele frequency attached by ClinVar (database versions not stated): gnomAD exomes below 0.00001 and 0.00001; TOPMed below 0.00001; ExAC 0.00001; gnomAD 0.00001; 1000 Genomes Project 30x 0.00016; 1000 Genomes Project 0.00020.
gnomAD v4.1: 3 of 1,613,984 alleles (0.00019%); highest among the groups gnomAD compares: Admixed American, 0.0033%; no homozygotes.

Submissions (4):

PreventionGenetics, part of Exact Sciences
Classification: Uncertain significance for CHD7-related condition. Last evaluated: 2026-02-11. Review status: criteria provided, single submitter. Criteria: ACMG Guidelines, 2015. Collection method: clinical testing. Allele origin: germline.
Comment: The CHD7 c.6169C>T variant is predicted to result in the amino acid substitution p.Arg2057Cys. To our knowledge, this variant has not been reported in the literature. This variant is reported in 0.0058% of alleles in individuals of Latino descent in gnomAD. At this time, the clinical significance of this variant is uncertain due to the absence of conclusive functional and genetic evidence.

GeneDx
Classification: Uncertain significance. Last evaluated: 2025-04-07. Review status: criteria provided, single submitter. Criteria: GeneDx Variant Classification Process June 2021. Collection method: clinical testing. Allele origin: germline. Affected: yes.
Comment: In silico analysis supports that this missense variant has a deleterious effect on protein structure/function; Has not been previously published as pathogenic or benign to our knowledge

Fulgent Genetics
Classification: Uncertain significance for CHD7-related CHARGE syndrome; Hypogonadotropic hypogonadism 5 with or without anosmia. Last evaluated: 2021-12-27. Review status: criteria provided, single submitter. Criteria: ACMG Guidelines, 2015. Collection method: clinical testing. Allele origin: unknown.

CeGaT Center for Human Genetics Tuebingen
Classification: Uncertain significance. Last evaluated: 2021-11-01. Review status: criteria provided, single submitter. Criteria: CeGaT Center For Human Genetics Tuebingen Variant Classification Criteria Version 2. Collection method: clinical testing. Allele origin: germline. Affected: yes. Observed: 1 variant allele.

NM_017780.4(CHD7):c.6169C>T (p.Arg2057Cys)

Gene: CHD7 (chromodomain helicase DNA binding protein 7; plus strand). Cytogenetic location: 8q12.2.
Variant type: single nucleotide variant.
Coding change: c.6169C>T on transcript NM_017780.4 (MANE Select); coding-DNA position 6169, C replaced by T.
Protein change: p.Arg2057Cys; replaces arginine 2057 with cysteine.
Molecular consequence: missense variant. On other transcripts: intron variant (1).
Genome position (GRCh38, 1-based): chr8:60,852,894, C>T. VCF-style: chr8-60852894-C-T. GRCh37 (hg19) VCF-style: chr8-61765453-C-T.
Other names: c.6169C>T (NM_017780.3); c.1717-9335C>T (NM_001316690.1); short protein forms R2057C.
Identifiers: ClinVar variation 1310695 (VCV001310695.40), dbSNP rs192260844, ClinGen allele CA4760544.